The following is an entry in ClinVar:

ClinVar aggregate classification (germline): Uncertain significance (1 of 4 stars; one submission).

gnomAD v4.1: 1 of 1,613,566 alleles (0.000062%); no homozygotes.

Submission:

GeneDx
Classification: Uncertain significance. Last evaluated: 2024-02-05. Review status: criteria provided, single submitter. Criteria: GeneDx Variant Classification Process June 2021. Collection method: clinical testing. Allele origin: germline.
Comment: Not observed at significant frequency in large population cohorts (gnomAD); Nonsense variant predicted to result in protein truncation or nonsense mediated decay in a gene or region of a gene for which loss of function is not a well-established mechanism of disease; Has not been previously published as pathogenic or benign to our knowledge; Variants in candidate genes are classified as variants of uncertain significance in accordance with ACMG guidelines (PMID: 25741868)

NM_014709.4(USP34):c.3343C>T (p.Arg1115Ter)

Gene: USP34 (ubiquitin specific peptidase 34; minus strand). Cytogenetic location: 2p15.
Variant type: single nucleotide variant.
Coding change: c.3343C>T on transcript NM_014709.4 (MANE Select); coding-DNA position 3343, C replaced by T.
Protein change: p.Arg1115Ter; replaces arginine 1115 with a stop codon.
Molecular consequence: nonsense.
Genome position (GRCh38, 1-based): chr2:61,314,914, G>A on the plus strand (C>T on the coding strand, the complement: USP34 is on the minus strand). VCF-style: chr2-61314914-G-A. GRCh37 (hg19) VCF-style: chr2-61542049-G-A.
Other names: short protein forms R1115*.
Identifiers: ClinVar variation 4891455 (VCV004891455.1).